The following is an entry in ClinVar:

NM_022493.3(CIAO3):c.3G>T (p.Met1Ile)

Gene: CIAO3 (cytosolic iron-sulfur assembly component 3; minus strand). Cytogenetic location: 16p13.3.
Variant type: single nucleotide variant.
Coding change: c.3G>T on transcript NM_022493.3 (MANE Select); coding-DNA position 3, G replaced by T.
Protein change: p.Met1Ile; changes the start codon (methionine 1).
Molecular consequence: missense variant, initiator codon variant. On other transcripts: 5 prime UTR variant (1).
Genome position (GRCh38, 1-based): chr16:740,983, C>A on the plus strand (G>T on the coding strand, the complement: CIAO3 is on the minus strand). VCF-style: chr16-740983-C-A. GRCh37 (hg19) VCF-style: chr16-790983-C-A.
Other names: c.-386G>T (NM_001304799.2); short protein forms M1I.
Identifiers: ClinVar variation 3062036 (VCV003062036.1), dbSNP rs747240410, ClinGen allele CA7790926.

ClinVar aggregate classification (germline): Uncertain significance (1 of 4 stars; one submission).

Conditions:
Pulmonary arteriovenous malformation (PAVM). Also called: Pulmonary arteriovenous fistula; Pulmonary AVM. Identifiers: MedGen C1857690, HP:0006548.

Submission:

Illumina Laboratory Services, Illumina
Classification: Uncertain significance for Pulmonary arteriovenous malformation. Last evaluated: 2021-03-18. Review status: criteria provided, single submitter. Criteria: ICSLVariantClassificationCriteria RUGD 01 April 2020. Collection method: clinical testing. Allele origin: unknown.
Comment: The NARFL c.3G>T p.(Met1?) variant alters the initiator methionine amino acid and the resultant protein is described as p.Met1? to denote that whether the loss of the methionine at codon 1 prevents all protein translation or causes abnormal protein formation from an alternate methionine is unknown. To our knowledge, this variant has not been reported in the peer-reviewed literature. This variant is reported at a frequency of 0.000312 in the Admixed American population of the Genome Aggregation Database (version 2.1.1). Based on the limited evidence, the c.3G>T p.(Met1?) variant is classified as a variant of uncertain significance for pulmonary arteriovenous malformations.